The following is an entry in ClinVar:

ClinVar aggregate classification (germline): Uncertain significance (1 of 4 stars; one submission).

Conditions:
Glycogen storage disease type III (GSD3). Also called: FORBES DISEASE; Cori disease. Identifiers: Orphanet 366, MedGen C0017922, MONDO:0009291, OMIM 232400.

Allele frequency attached by ClinVar (database versions not stated): gnomAD exomes below 0.00001.
gnomAD v4.1: 1 of 1,611,920 alleles (0.000062%); highest among the groups gnomAD compares: Non-Finnish European, 0.000085%; no homozygotes.

Submission:

Labcorp Genetics (formerly Invitae), Labcorp
Classification: Uncertain significance for Glycogen storage disease type III. Last evaluated: 2021-09-16. Review status: criteria provided, single submitter. Criteria: Invitae Variant Classification Sherloc (09022015). Collection method: clinical testing. Allele origin: germline.
Comment: This sequence change affects codon 303 of the AGL mRNA. It is a 'silent' change, meaning that it does not change the encoded amino acid sequence of the AGL protein. This variant is not present in population databases (ExAC no frequency). This variant has not been reported in the literature in individuals affected with AGL-related conditions. Algorithms developed to predict the effect of sequence changes on RNA splicing suggest that this variant may create or strengthen a splice site. In summary, the available evidence is currently insufficient to determine the role of this variant in disease. Therefore, it has been classified as a Variant of Uncertain Significance.

NM_000642.3(AGL):c.909A>G (p.Gln303=)

Gene: AGL (amylo-alpha-1,6-glucosidase and 4-alpha-glucanotransferase; plus strand). Cytogenetic location: 1p21.2.
Variant type: single nucleotide variant.
Coding change: c.909A>G on transcript NM_000642.3 (MANE Select); coding-DNA position 909, A replaced by G.
Protein change: p.Gln303=; no amino-acid change (glutamine 303 retained).
Molecular consequence: synonymous variant.
Genome position (GRCh38, 1-based): chr1:99,870,820, A>G. VCF-style: chr1-99870820-A-G. GRCh37 (hg19) VCF-style: chr1-100336376-A-G.
Other names: c.909A>G, p.Gln303= (NM_000028.3, NM_000643.3, NM_000644.3 and 3 more transcripts); c.861A>G, p.Gln287= (NM_000646.3); c.705A>G, p.Gln235= (NM_001425328.1, NM_001425329.1); c.531A>G, p.Gln177= (NM_001425332.1).
Identifiers: ClinVar variation 1445680 (VCV001445680.5), dbSNP rs2101113480, ClinGen allele CA419096520.